The following is an entry in ClinVar:

ClinVar aggregate classification (germline): Likely pathogenic. Review status: criteria provided, multiple submitters, no conflicts (2 of 4 stars). 3 submissions from 3 submitters: Likely pathogenic (3). Last evaluated 2024-10-26.

Conditions:
Telangiectasia, hereditary hemorrhagic, type 5 (HHT5). Identifiers: Orphanet 774, MedGen C3809710, MONDO:0014217, OMIM 615506.
GDF2-Related Disorders. Identifiers: MedGen CN380119.

Allele frequency attached by ClinVar (database versions not stated): gnomAD 0.00001; TOPMed 0.00003.

Submissions (3):

Labcorp Genetics (formerly Invitae), Labcorp
Classification: Likely pathogenic for Telangiectasia, hereditary hemorrhagic, type 5. Last evaluated: 2024-10-26. Review status: criteria provided, single submitter. Criteria: Invitae Variant Classification Sherloc (09022015). Collection method: clinical testing. Allele origin: germline.
Comment: This sequence change replaces arginine, which is basic and polar, with glutamine, which is neutral and polar, at codon 110 of the GDF2 protein (p.Arg110Gln). This variant is not present in population databases (gnomAD no frequency). This missense change has been observed in individuals with pulmonary arterial hypertension (PMID: 30578397, 31727138, 35346192). ClinVar contains an entry for this variant (Variation ID: 1478658). Invitae Evidence Modeling of protein sequence and biophysical properties (such as structural, functional, and spatial information, amino acid conservation, physicochemical variation, residue mobility, and thermodynamic stability) has been performed for this missense variant. However, the output from this modeling did not meet the statistical confidence thresholds required to predict the impact of this variant on GDF2 protein function. This variant disrupts the p.Arg110 amino acid residue in GDF2. Other variant(s) that disrupt this residue have been determined to be pathogenic (PMID: 29650961, 30578397, 31661308, 31727138). This suggests that this residue is clinically significant, and that variants that disrupt this residue are likely to be disease-causing. In summary, the currently available evidence indicates that the variant is pathogenic, but additional data are needed to prove that conclusively. Therefore, this variant has been classified as Likely Pathogenic.

Blueprint Genetics
Classification: Likely pathogenic for GDF2-related disorders. Last evaluated: 2023-09-07. Review status: criteria provided, single submitter. Criteria: ACMG Guidelines, 2015. Collection method: clinical testing. Allele origin: germline. Affected: yes. Observed: 2 variant alleles.

Mayo Clinic Laboratories, Mayo Clinic
Classification: Likely pathogenic. Last evaluated: 2022-11-01. Review status: criteria provided, single submitter. Criteria: ACMG Guidelines, 2015. Collection method: clinical testing. Allele origin: germline. Observed: 1 variant allele.
Comment: PP3, PM1, PM2_supporting, PM5, PS4_moderate

Literature cited by the submitters: PubMed 30578397 (cited by Labcorp Genetics (formerly Invitae), Labcorp and Mayo Clinic Laboratories, Mayo Clinic); PubMed 31727138 (cited by Labcorp Genetics (formerly Invitae), Labcorp and Mayo Clinic Laboratories, Mayo Clinic); PubMed 35346192 (cited by Labcorp Genetics (formerly Invitae), Labcorp and Mayo Clinic Laboratories, Mayo Clinic); PubMed 29650961 (cited by Labcorp Genetics (formerly Invitae), Labcorp and Mayo Clinic Laboratories, Mayo Clinic); PubMed 31661308 (cited by Labcorp Genetics (formerly Invitae), Labcorp).

NM_016204.4(GDF2):c.329G>A (p.Arg110Gln)

Gene: GDF2 (growth differentiation factor 2; plus strand). Cytogenetic location: 10q11.22.
Variant type: single nucleotide variant.
Coding change: c.329G>A on transcript NM_016204.4 (MANE Select); coding-DNA position 329, G replaced by A.
Protein change: p.Arg110Gln; replaces arginine 110 with glutamine.
Molecular consequence: missense variant.
Genome position (GRCh38, 1-based): chr10:47,322,997, G>A. VCF-style: chr10-47322997-G-A. GRCh37 (hg19) VCF-style: chr10-48416365-C-T.
Other names: p.Arg110Gln; c.329G>A (NM_016204.3); short protein forms R110Q.
Identifiers: ClinVar variation 1478658 (VCV001478658.8), dbSNP rs1443463485, ClinGen allele CA376653124.